The following is an entry in ClinVar:

ClinVar aggregate classification (germline): Benign (1 of 4 stars; one submission).

gnomAD v4.1: 706 of 151,736 alleles (0.47%); highest among the groups gnomAD compares: African/African-American, 1.6%; 6 homozygotes.

Submission:

CeGaT Center for Human Genetics Tuebingen
Classification: Benign. Last evaluated: 2025-08-01. Review status: criteria provided, single submitter. Criteria: CeGaT Center For Human Genetics Tuebingen Variant Classification Criteria Version 2. Collection method: clinical testing. Allele origin: germline. Affected: yes. Observed: 2 variant alleles.
Comment: DSG2: BS1, BS2

NM_001943.5(DSG2):c.45+7490C>T

Gene: DSG2 (desmoglein 2; plus strand). Cytogenetic location: 18q12.1.
Variant type: single nucleotide variant.
Coding change: c.45+7490C>T on transcript NM_001943.5 (MANE Select); 7490 bases into the intron after coding-DNA position 45, C replaced by T.
Molecular consequence: intron variant.
Genome position (GRCh38, 1-based): chr18:31,505,786, C>T. VCF-style: chr18-31505786-C-T. GRCh37 (hg19) VCF-style: chr18-29085749-C-T.
Identifiers: ClinVar variation 4086027 (VCV004086027.8).